The following is an entry in ClinVar:

ClinVar aggregate classification (germline): Pathogenic/Likely pathogenic. Review status: criteria provided, multiple submitters, no conflicts (2 of 4 stars). 2 submissions from 2 submitters: Pathogenic (1); Likely pathogenic (1). Last evaluated 2026-01-21.

Conditions:
Senior-Loken syndrome 9 (SLSN9). Identifiers: Orphanet 3156, MedGen C4225263, MONDO:0014712, OMIM 616629.

Allele frequency attached by ClinVar (database versions not stated): gnomAD 0.00001; TOPMed 0.00001.

Submissions (2):

Variantyx, Inc.
Classification: Likely pathogenic for Senior-Loken syndrome 9. Last evaluated: 2026-01-21. Review status: criteria provided, single submitter. Criteria: Variantyx Assertion Criteria 2022. Collection method: clinical testing. Allele origin: germline. Inheritance: Autosomal recessive inheritance. Affected: no.
Comment: This is a frameshift variant in the IFT54 (TRAF3IP1 )gene (OMIM: 607380). Pathogenic variants in this gene have been associated with autosomal recessive Senior-Loken syndrome 9. This variant introduces a premature termination codon in exon 5 out of 17 and is expected to result in loss of function, which is a known disease mechanism for the gene in this disorder (PMID:26487268) (PVS1). This variant has a 0.0014% maximum allele frequency in non-founder control populations (PM2). Based on the current evidence, this variant is classified as likely pathogenic for autosomal recessive Senior-Loken syndrome 9.

Labcorp Genetics (formerly Invitae), Labcorp
Classification: Pathogenic. Last evaluated: 2022-09-30. Review status: criteria provided, single submitter. Criteria: Invitae Variant Classification Sherloc (09022015). Collection method: clinical testing. Allele origin: germline.
Comment: For these reasons, this variant has been classified as Pathogenic. This variant has not been reported in the literature in individuals affected with TRAF3IP1-related conditions. This variant is present in population databases (no rsID available, gnomAD 0.01%). This sequence change creates a premature translational stop signal (p.Asp233Glufs*30) in the TRAF3IP1 gene. It is expected to result in an absent or disrupted protein product. Loss-of-function variants in TRAF3IP1 are known to be pathogenic (PMID: 21945076, 26487268, 29068549).

Literature cited by the submitters: PubMed 26487268 (cited by Variantyx, Inc. and Labcorp Genetics (formerly Invitae), Labcorp); PubMed 21945076 (cited by Labcorp Genetics (formerly Invitae), Labcorp); PubMed 29068549 (cited by Labcorp Genetics (formerly Invitae), Labcorp).

NM_015650.4(IFT54):c.699del (p.Asp233fs)

Gene: IFT54 (intraflagellar transport 54; plus strand). Cytogenetic location: 2q37.3.
Variant type: Deletion.
Coding change: c.699del on transcript NM_015650.4 (MANE Select); coding-DNA position 699, one base deleted (C; older notation c.699delC).
Protein change: p.Asp233fs; shifts the reading frame from aspartic acid 233.
Molecular consequence: frameshift variant.
Genome position (GRCh38, 1-based): chr2:238,329,126, C deleted. VCF-style (leftmost placement, unchanged base first): chr2-238329125-AC-A. GRCh37 (hg19) VCF-style: chr2-239237766-AC-A.
Other names: c.699del, p.Asp233fs (NM_001139490.1); short protein forms D233fs.
Identifiers: ClinVar variation 2164282 (VCV002164282.5), dbSNP rs1423526043, ClinGen allele CA540751106.